The following is an entry in ClinVar:

ClinVar aggregate classification (germline): Uncertain significance (0 of 4 stars; one submission).

Conditions:
LHX4-related disorder. Also called: LHX4-related condition.

Allele frequency attached by ClinVar (database versions not stated): gnomAD 0.00001; TOPMed 0.00001.
gnomAD v4.1: 8 of 1,609,972 alleles (0.0005%); highest among the groups gnomAD compares: Admixed American, 0.0017%; no homozygotes.

Submission:

PreventionGenetics, part of Exact Sciences
Classification: Uncertain significance for LHX4-related condition. Last evaluated: 2024-01-10. Review status: no assertion criteria provided. Collection method: clinical testing. Allele origin: germline.
Comment: The LHX4 c.778+9G>A variant is predicted to interfere with splicing. To our knowledge, this variant has not been reported in the literature. This variant is reported in 0.00089% of alleles in individuals of European (Non-Finnish) descent in gnomAD. At this time, the clinical significance of this variant is uncertain due to the absence of conclusive functional and genetic evidence.

NM_033343.4(LHX4):c.778+9G>A

Genes: ACBD6 (acyl-CoA binding domain containing 6; minus strand), LHX4 (LIM homeobox 4; plus strand), LHX4-AS1 (LHX4 antisense RNA 1; minus strand). Cytogenetic location: 1q25.2.
Variant type: single nucleotide variant.
Coding change: c.778+9G>A on transcript NM_033343.4 (MANE Select); 9 bases into the intron after coding-DNA position 778, G replaced by A.
Molecular consequence: intron variant.
Genome position (GRCh38, 1-based): chr1:180,272,015, G>A. VCF-style: chr1-180272015-G-A. GRCh37 (hg19) VCF-style: chr1-180241150-G-A.
Identifiers: ClinVar variation 3047092 (VCV003047092.2), dbSNP rs994001572, ClinGen allele CA33781622.